The following is an entry in ClinVar:

ClinVar aggregate classification (germline): Uncertain significance. Review status: criteria provided, multiple submitters, no conflicts (2 of 4 stars). 4 submissions from 4 submitters: Uncertain significance (4). Last evaluated 2025-06-14.

Conditions:
Gorlin syndrome. Also called: Nevoid Basal Cell Carcinoma Syndrome; Basal cell nevus syndrome. Identifiers: Orphanet 377, MedGen C0004779, MONDO:0007187.
Medulloblastoma (MDB). Also called: Medulloblastoma, somatic; MEDULLOBLASTOMA PREDISPOSITION SYNDROME. Identifiers: Orphanet 616, MedGen C0025149, MeSH D008527, MONDO:0007959, OMIM 155255, HP:0002885.
Hereditary cancer-predisposing syndrome. Also called: Tumor predisposition; Neoplastic Syndromes, Hereditary; Hereditary Cancer Syndrome; Hereditary neoplastic syndrome. Identifiers: Orphanet 140162, MedGen C0027672, MeSH D009386, MONDO:0015356.

Allele frequency attached by ClinVar (database versions not stated): TOPMed 0.00002.
gnomAD v4.1: 5 of 1,614,246 alleles (0.00031%); highest among the groups gnomAD compares: African/African-American, 0.0013%; no homozygotes.

Submissions (4):

Ambry Genetics
Classification: Uncertain significance for Hereditary cancer-predisposing syndrome. Last evaluated: 2025-06-14. Review status: criteria provided, single submitter. Criteria: Ambry Variant Classification Scheme 2023. Collection method: clinical testing. Allele origin: germline.
Comment: The p.A425V variant (also known as c.1274C>T), located in coding exon 10 of the SUFU gene, results from a C to T substitution at nucleotide position 1274. The alanine at codon 425 is replaced by valine, an amino acid with similar properties. This amino acid position is highly conserved in available vertebrate species. In addition, the in silico prediction for this alteration is inconclusive. Since supporting evidence is limited at this time, the clinical significance of this alteration remains unclear.

Labcorp Genetics (formerly Invitae), Labcorp
Classification: Uncertain significance for Gorlin syndrome; Medulloblastoma. Last evaluated: 2024-11-19. Review status: criteria provided, single submitter. Criteria: Invitae Variant Classification Sherloc (09022015). Collection method: clinical testing. Allele origin: germline.
Comment: This sequence change replaces alanine, which is neutral and non-polar, with valine, which is neutral and non-polar, at codon 425 of the SUFU protein (p.Ala425Val). This variant is not present in population databases (gnomAD no frequency). This missense change has been observed in individual(s) with an abnormality of the nervous system (PMID: 28965847). ClinVar contains an entry for this variant (Variation ID: 644556). Invitae Evidence Modeling of protein sequence and biophysical properties (such as structural, functional, and spatial information, amino acid conservation, physicochemical variation, residue mobility, and thermodynamic stability) indicates that this missense variant is not expected to disrupt SUFU protein function with a negative predictive value of 80%. In summary, the available evidence is currently insufficient to determine the role of this variant in disease. Therefore, it has been classified as a Variant of Uncertain Significance.

GeneDx
Classification: Uncertain significance. Last evaluated: 2023-05-05. Review status: criteria provided, single submitter. Criteria: GeneDx Variant Classification Process June 2021. Collection method: clinical testing. Allele origin: germline. Affected: yes.
Comment: Not observed at significant frequency in large population cohorts (gnomAD); In silico analysis supports that this missense variant does not alter protein structure/function; Has not been previously published as pathogenic or benign to our knowledge; This variant is associated with the following publications: (PMID: 28965847, 27793025, 27974047)

Blueprint Genetics
Classification: Uncertain significance. Last evaluated: 2021-05-21. Review status: criteria provided, single submitter. Criteria: ACMG Guidelines, 2015. Collection method: clinical testing. Allele origin: germline.

Literature cited by the submitters: PubMed 28965847 (cited by Labcorp Genetics (formerly Invitae), Labcorp).

NM_016169.4(SUFU):c.1274C>T (p.Ala425Val)

Gene: SUFU (SUFU negative regulator of hedgehog signaling; plus strand). Cytogenetic location: 10q24.32.
Variant type: single nucleotide variant.
Coding change: c.1274C>T on transcript NM_016169.4 (MANE Select); coding-DNA position 1274, C replaced by T.
Protein change: p.Ala425Val; replaces alanine 425 with valine.
Molecular consequence: missense variant.
Genome position (GRCh38, 1-based): chr10:102,617,406, C>T. VCF-style: chr10-102617406-C-T. GRCh37 (hg19) VCF-style: chr10-104377163-C-T.
Other names: c.1274C>T, p.Ala425Val (NM_001178133.2); short protein forms A425V.
Identifiers: ClinVar variation 644556 (VCV000644556.17), dbSNP rs1427876079, ClinGen allele CA377916674.